The following is an entry in ClinVar:

ClinVar aggregate classification (germline): Likely pathogenic (1 of 4 stars; one submission).

Conditions:
Holocarboxylase synthetase deficiency. Also called: MULTIPLE CARBOXYLASE DEFICIENCY, EARLY ONSET. Identifiers: Orphanet 79242, MedGen C0268581, MONDO:0009666, OMIM 253270.

Submission:

Myriad Genetics, Inc.
Classification: Likely pathogenic for Holocarboxylase synthetase deficiency. Last evaluated: 2022-01-02. Review status: criteria provided, single submitter. Criteria: Myriad Women's Health Autosomal Recessive and X-Linked Classification Criteria (2021). Collection method: clinical testing. Allele origin: unknown.
Comment: NM_000411.6(HLCS):c.380_381ins8(I128Sfs*133) is expected to be pathogenic in the context of holocarboxylase synthetase deficiency. This variant is predicted to lead to an abnormal or absent protein product due to the creation of a premature termination codon in HLCS, a gene where loss-of-function variants are known to be pathogenic. Please note: this variant was assessed in the context of healthy population screening.

NM_001352514.2(HLCS):c.821_822insTTCCATTG (p.Ile275fs)

Gene: HLCS (holocarboxylase synthetase; minus strand). Cytogenetic location: 21q22.13.
Variant type: Insertion.
Coding change: c.821_822insTTCCATTG on transcript NM_001352514.2 (MANE Select); coding-DNA positions 821 to 822, TTCCATTG inserted.
Protein change: p.Ile275fs; shifts the reading frame from isoleucine 275.
Molecular consequence: frameshift variant. On other transcripts: non-coding transcript variant (2).
Genome position: GRCh38 VCF-style: chr21-36937064-G-GCAATGGAA. GRCh37 (hg19) VCF-style: chr21-38309364-G-GCAATGGAA.
Other names: c.380_381insTTCCATTG, p.Ile128fs (NM_000411.8, NM_001242784.3, NM_001242785.2 and 4 more transcripts); short protein forms I128fs, I275fs.
Identifiers: ClinVar variation 1726933 (VCV001726933.2), dbSNP rs2517580853, ClinGen allele CA2580098720.